The following is an entry in ClinVar:

ClinVar aggregate classification (germline): Uncertain significance. Review status: criteria provided, multiple submitters, no conflicts (2 of 4 stars). 3 submissions from 3 submitters: Uncertain significance (3). Last evaluated 2026-03-03.

Conditions:
Inborn genetic diseases. Identifiers: MedGen C0950123, MeSH D030342.
X-linked agammaglobulinemia with growth hormone deficiency (IGHD3). Also called: AGAMMAGLOBULINEMIA AND ISOLATED GROWTH HORMONE DEFICIENCY, X-LINKED; FLEISHER SYNDROME; HYPOGAMMAGLOBULINEMIA AND ISOLATED GROWTH HORMONE DEFICIENCY, X-LINKED; IGHD III; ISOLATED GROWTH HORMONE DEFICIENCY, TYPE III, WITH AGAMMAGLOBULINEMIA; Isolated growth hormone deficiency type 3. Identifiers: Orphanet 231692, Orphanet 631, MedGen C0472813, MONDO:0010615, OMIM 307200.

Allele frequency attached by ClinVar (database versions not stated): gnomAD exomes below 0.00001.
gnomAD v4.1: 2 of 1,211,400 alleles (0.00017%); highest among the groups gnomAD compares: Non-Finnish European, 0.00022%; no homozygotes.

Submissions (3):

Ambry Genetics
Classification: Uncertain significance for Inborn genetic diseases. Last evaluated: 2026-03-03. Review status: criteria provided, single submitter. Criteria: Ambry Variant Classification Scheme 2023. Collection method: clinical testing. Allele origin: germline.

Labcorp Genetics (formerly Invitae), Labcorp
Classification: Uncertain significance for X-linked agammaglobulinemia with growth hormone deficiency. Last evaluated: 2024-12-03. Review status: criteria provided, single submitter. Criteria: Invitae Variant Classification Sherloc (09022015). Collection method: clinical testing. Allele origin: germline.
Comment: This sequence change replaces glutamic acid, which is acidic and polar, with lysine, which is basic and polar, at codon 298 of the BTK protein (p.Glu298Lys). This variant is not present in population databases (gnomAD no frequency). This variant has not been reported in the literature in individuals affected with BTK-related conditions. ClinVar contains an entry for this variant (Variation ID: 1712175). Invitae Evidence Modeling of protein sequence and biophysical properties (such as structural, functional, and spatial information, amino acid conservation, physicochemical variation, residue mobility, and thermodynamic stability) indicates that this missense variant is not expected to disrupt BTK protein function with a negative predictive value of 95%. In summary, the available evidence is currently insufficient to determine the role of this variant in disease. Therefore, it has been classified as a Variant of Uncertain Significance.

GeneDx
Classification: Uncertain significance. Last evaluated: 2022-04-18. Review status: criteria provided, single submitter. Criteria: GeneDx Variant Classification Process June 2021. Collection method: clinical testing. Allele origin: germline. Affected: yes.
Comment: Not observed at significant frequency in large population cohorts (gnomAD); In silico analysis supports that this missense variant does not alter protein structure/function; Has not been previously published as pathogenic or benign to our knowledge

NM_000061.3(BTK):c.892G>A (p.Glu298Lys)

Gene: BTK (Bruton tyrosine kinase; minus strand). Cytogenetic location: Xq22.1.
Variant type: single nucleotide variant.
Coding change: c.892G>A on transcript NM_000061.3 (MANE Select); coding-DNA position 892, G replaced by A.
Protein change: p.Glu298Lys; replaces glutamic acid 298 with lysine.
Molecular consequence: missense variant.
Genome position (GRCh38, 1-based): chrX:101,359,295, C>T on the plus strand (G>A on the coding strand, the complement: BTK is on the minus strand). VCF-style: chrX-101359295-C-T. GRCh37 (hg19) VCF-style: chrX-100614283-C-T.
Other names: c.994G>A, p.Glu332Lys (NM_001287344.2); c.892G>A, p.Glu298Lys (NM_001287345.2); short protein forms E298K, E332K.
Identifiers: ClinVar variation 1712175 (VCV001712175.8), dbSNP rs1603007166, ClinGen allele CA413929608.